The following is an entry in ClinVar:

ClinVar aggregate classification (germline): Uncertain significance. Review status: criteria provided, multiple submitters, no conflicts (2 of 4 stars). 2 submissions from 2 submitters: Uncertain significance (2). Last evaluated 2025-12-01.

Conditions:
Autoimmune lymphoproliferative syndrome type 1. Also called: AUTOIMMUNE LYMPHOPROLIFERATIVE SYNDROME, TYPE I, AUTOSOMAL DOMINANT. Identifiers: Orphanet 3261, MedGen C2717884, MONDO:0011158, OMIM 601859.

Allele frequency attached by ClinVar (database versions not stated): gnomAD exomes 0.00001; TOPMed 0.00002; ExAC 0.00001; gnomAD 0.00001.
gnomAD v4.1: 18 of 1,613,526 alleles (0.0011%); highest among the groups gnomAD compares: Non-Finnish European, 0.0015%; no homozygotes.

Submissions (2):

Labcorp Genetics (formerly Invitae), Labcorp
Classification: Uncertain significance for Autoimmune lymphoproliferative syndrome. Last evaluated: 2025-12-01. Review status: criteria provided, single submitter. Criteria: Invitae Variant Classification Sherloc (09022015). Collection method: clinical testing. Allele origin: germline.
Comment: This sequence change replaces tyrosine, which is neutral and polar, with histidine, which is basic and polar, at codon 232 of the FAS protein (p.Tyr232His). This variant is present in population databases (rs767866112, gnomAD 0.003%). This variant has not been reported in the literature in individuals affected with FAS-related conditions. ClinVar contains an entry for this variant (Variation ID: 877928). An algorithm developed to predict the effect of missense changes on protein structure and function outputs the following: PolyPhen-2: "Possibly Damaging". The histidine amino acid residue is found in multiple mammalian species, which suggests that this missense change does not adversely affect protein function. In summary, the available evidence is currently insufficient to determine the role of this variant in disease. Therefore, it has been classified as a Variant of Uncertain Significance.

Illumina Laboratory Services, Illumina
Classification: Uncertain significance for Autoimmune lymphoproliferative syndrome type 1. Last evaluated: 2017-04-27. Review status: criteria provided, single submitter. Criteria: ICSL Variant Classification Criteria 13 December 2019. Collection method: clinical testing. Allele origin: germline.
Comment: This variant was observed as part of a predisposition screen in an ostensibly healthy population. A literature search was performed for the gene, cDNA change, and amino acid change (where applicable). Publications were found based on this search. However, the evidence from the literature, in combination with allele frequency data from public databases where available, was not sufficient to rule this variant in or out of causing disease. Therefore, this variant is classified as a variant of unknown significance.

Literature cited by the submitters: PubMed 20935634 (cited by Illumina Laboratory Services, Illumina); PubMed 20682655 (cited by Illumina Laboratory Services, Illumina).

NM_000043.6(FAS):c.694T>C (p.Tyr232His)

Gene: FAS (Fas cell surface death receptor; plus strand). Cytogenetic location: 10q23.31.
Variant type: single nucleotide variant.
Coding change: c.694T>C on transcript NM_000043.6 (MANE Select); coding-DNA position 694, T replaced by C.
Protein change: p.Tyr232His; replaces tyrosine 232 with histidine.
Molecular consequence: missense variant. On other transcripts: 3 prime UTR variant (2), non-coding transcript variant (7).
Genome position (GRCh38, 1-based): chr10:89,014,136, T>C. VCF-style: chr10-89014136-T-C. GRCh37 (hg19) VCF-style: chr10-90773893-T-C.
Other names: c.*17T>C (NM_001320619.2); c.631T>C, p.Tyr211His (NM_152871.4); c.*6T>C (NM_152872.4); short protein forms Y232H, Y211H.
Identifiers: ClinVar variation 877928 (VCV000877928.11), dbSNP rs767866112, ClinGen allele CA5593210.
Genomic context (GRCh38, chr10:89,014,136, plus strand): 5'-TCATTTAGAAAAACAAATTTTCAGACTATTTTCTATTTTTCAGATGTTGACTTGAGTAAA[T>C]ATATCACCACTATTGCTGGAGTCATGACACTAAGTCAAGTTAAAGGCTTTGTTCGAAAGA-3'
Protein context (NP_000034.1, residues 222-242): INLSDVDLSK[Tyr232His]ITTIAGVMTL